The following is an entry in ClinVar:

NM_001164508.2(NEB):c.22126_22127del (p.Val7376fs)

Genes: NEB (nebulin; minus strand), RIF1 (replication timing regulatory factor 1; plus strand). Cytogenetic location: 2q23.3.
Variant type: Deletion.
Coding change: c.22126_22127del on transcript NM_001164508.2 (MANE Select); coding-DNA positions 22126 to 22127, 2 bases deleted (GT; older notation c.22126_22127delGT).
Protein change: p.Val7376fs; shifts the reading frame from valine 7376.
Molecular consequence: frameshift variant.
Genome position (GRCh38, 1-based): chr2:151,525,992-151,525,993, AC deleted on the plus strand (GT on the coding strand, the reverse complement: NEB is on the minus strand); deleting any 2 consecutive bases within chr2:151,525,992-151,525,994 gives the same sequence; the c. name uses the placement nearest the transcript's 3' end. VCF-style (leftmost placement, unchanged base first): chr2-151525991-AAC-A. GRCh37 (hg19) VCF-style: chr2-152382505-AAC-A.
Other names: c.22126_22127del, p.Val7376fs (NM_001164507.2); c.22231_22232del, p.Val7411fs (NM_001271208.2); c.17023_17024del, p.Val5675fs (NM_004543.5); short protein forms V5675fs, V7376fs, V7411fs.
Identifiers: ClinVar variation 5016031 (VCV005016031.1).
Genomic context (GRCh38, chr2:151,525,991, plus strand): 5'-CCAAGAGACCGGTGGTTGATCACTTACATCACTGACATGCTTGGTCACTTCCTTGACGTG[AAC>A]AGTGTCCCGGGTCTCTGGTAGTGTTGTGTATGAGCCCTGTGCCAAGTGCTTCTTGACATG-3'

ClinVar aggregate classification (germline): Pathogenic (1 of 4 stars; one submission).

Conditions:
Nemaline myopathy 2 (NEM2). Also called: Nemaline myopathy 2, autosomal recessive. Identifiers: MedGen C1850569, MONDO:0009725, OMIM 256030.

Submission:

Myriad Genetics, Inc.
Classification: Pathogenic for Nemaline myopathy 2. Last evaluated: 2026-06-12. Review status: criteria provided, single submitter. Criteria: Myriad Autosomal Dominant, Autosomal Recessive and X-Linked Classification Criteria (2023). Collection method: clinical testing. Allele origin: unknown.
Comment: NM_001271208.1(NEB):c.22231_22232delGT(V7411Sfs*11) is expected to be pathogenic in the context of NEB-related nemaline myopathy. This variant is predicted to lead to an abnormal or absent protein product due to the creation of a premature termination codon in NEB, a gene where loss-of-function variants are known to be pathogenic. Please note: this variant was assessed in the context of healthy population screening.